The following is an entry in ClinVar:

NM_005687.5(FARSB):c.688G>A (p.Val230Ile)

Gene: FARSB (phenylalanyl-tRNA synthetase subunit beta; minus strand). Cytogenetic location: 2q36.1.
Variant type: single nucleotide variant.
Coding change: c.688G>A on transcript NM_005687.5 (MANE Select); coding-DNA position 688, G replaced by A.
Protein change: p.Val230Ile; replaces valine 230 with isoleucine.
Molecular consequence: missense variant. On other transcripts: non-coding transcript variant (1).
Genome position (GRCh38, 1-based): chr2:222,633,226, C>T on the plus strand (G>A on the coding strand, the complement: FARSB is on the minus strand). VCF-style: chr2-222633226-C-T. GRCh37 (hg19) VCF-style: chr2-223497945-C-T.
Other names: short protein forms V230I.
Identifiers: ClinVar variation 2080199 (VCV002080199.28), dbSNP rs139596776, ClinGen allele CA2136586.

ClinVar aggregate classification (germline): Uncertain significance. Review status: criteria provided, multiple submitters, no conflicts (2 of 4 stars). 3 submissions from 3 submitters: Uncertain significance (3). Last evaluated 2024-10-17.

Conditions:
Inborn genetic diseases. Identifiers: MedGen C0950123, MeSH D030342.

Allele frequency attached by ClinVar (database versions not stated): ExAC 0.00012; gnomAD 0.00016; TOPMed 0.00019; gnomAD exomes 0.00021; ESP Exome Variant Server 0.00023.
gnomAD v4.1: 317 of 1,563,860 alleles (0.02%); highest among the groups gnomAD compares: East Asian, 0.031%; 1 homozygote.

Submissions (3):

Ambry Genetics
Classification: Uncertain significance for Inborn genetic diseases. Last evaluated: 2024-10-17. Review status: criteria provided, single submitter. Criteria: Ambry Variant Classification Scheme 2023. Collection method: clinical testing. Allele origin: germline.

CeGaT Center for Human Genetics Tuebingen
Classification: Uncertain significance. Last evaluated: 2024-01-01. Review status: criteria provided, single submitter. Criteria: CeGaT Center For Human Genetics Tuebingen Variant Classification Criteria Version 2. Collection method: clinical testing. Allele origin: germline. Affected: yes. Observed: 1 variant allele.
Comment: FARSB: PM2, BP4

Labcorp Genetics (formerly Invitae), Labcorp
Classification: Uncertain significance. Last evaluated: 2022-10-17. Review status: criteria provided, single submitter. Criteria: Invitae Variant Classification Sherloc (09022015). Collection method: clinical testing. Allele origin: germline.
Comment: In summary, the available evidence is currently insufficient to determine the role of this variant in disease. Therefore, it has been classified as a Variant of Uncertain Significance. Algorithms developed to predict the effect of missense changes on protein structure and function output the following: SIFT: "Tolerated"; PolyPhen-2: "Benign"; Align-GVGD: "Class C0". The isoleucine amino acid residue is found in multiple mammalian species, which suggests that this missense change does not adversely affect protein function. This variant has not been reported in the literature in individuals affected with FARSB-related conditions. This variant is present in population databases (rs139596776, gnomAD 0.03%). This sequence change replaces valine, which is neutral and non-polar, with isoleucine, which is neutral and non-polar, at codon 230 of the FARSB protein (p.Val230Ile).